The following is an entry in ClinVar:

NM_002941.4(ROBO1):c.1343-1G>T

Gene: ROBO1 (roundabout guidance receptor 1; minus strand). Cytogenetic location: 3p12.3.
Variant type: single nucleotide variant.
Coding change: c.1343-1G>T on transcript NM_002941.4 (MANE Select); the canonical splice acceptor site of the intron before coding-DNA position 1343, G replaced by T.
Molecular consequence: splice acceptor variant.
Genome position (GRCh38, 1-based): chr3:78,670,302, C>A on the plus strand (G>T on the coding strand, the complement: ROBO1 is on the minus strand). VCF-style: chr3-78670302-C-A. GRCh37 (hg19) VCF-style: chr3-78719452-C-A.
Other names: c.1235-1G>T (NM_001145845.2, NM_133631.4).
Identifiers: ClinVar variation 3700011 (VCV003700011.2).
Genomic context (GRCh38, chr3:78,670,302, plus strand): 5'-CGGCTACAGTCTGATTCACAGGACCTTGTCGAATAACTGGGGGAGGCCGATCTGCAATCA[C>A]TGCCAGAAGAAACAACAGGAAATAGATTTCTGCAACTGGAAGCAATTTTCTAATCATCCA-3'

ClinVar aggregate classification (germline): Likely pathogenic (1 of 4 stars; one submission).

gnomAD v4.1: 6 of 1,556,016 alleles (0.00039%); highest among the groups gnomAD compares: Non-Finnish European, 0.00052%; no homozygotes.

Submission:

Labcorp Genetics (formerly Invitae), Labcorp
Classification: Likely pathogenic. Last evaluated: 2024-05-14. Review status: criteria provided, single submitter. Criteria: Invitae Variant Classification Sherloc (09022015). Collection method: clinical testing. Allele origin: germline.
Comment: This sequence change affects an acceptor splice site in intron 10 of the ROBO1 gene. It is expected to disrupt RNA splicing. Variants that disrupt the donor or acceptor splice site typically lead to a loss of protein function (PMID: 16199547), and loss-of-function variants in ROBO1 are known to be pathogenic (PMID: 29194579, 35227688). This variant is not present in population databases (gnomAD no frequency). This variant has not been reported in the literature in individuals affected with ROBO1-related conditions. Algorithms developed to predict the effect of sequence changes on RNA splicing suggest that this variant may disrupt the consensus splice site. In summary, the currently available evidence indicates that the variant is pathogenic, but additional data are needed to prove that conclusively. Therefore, this variant has been classified as Likely Pathogenic.

Literature cited by the submitters: PubMed 16199547; PubMed 29194579; PubMed 35227688.